The following is an entry in ClinVar:

NM_015650.4(IFT54):c.1114G>A (p.Gly372Arg)

Gene: IFT54 (intraflagellar transport 54; plus strand). Cytogenetic location: 2q37.3.
Variant type: single nucleotide variant.
Coding change: c.1114G>A on transcript NM_015650.4 (MANE Select); coding-DNA position 1114, G replaced by A.
Protein change: p.Gly372Arg; replaces glycine 372 with arginine.
Molecular consequence: missense variant. On other transcripts: intron variant (1).
Genome position (GRCh38, 1-based): chr2:238,338,412, G>A. VCF-style: chr2-238338412-G-A. GRCh37 (hg19) VCF-style: chr2-239247053-G-A.
Other names: c.1063+4377G>A (NM_001139490.1); short protein forms G372R.
Identifiers: ClinVar variation 1414679 (VCV001414679.5), dbSNP rs145950318, ClinGen allele CA2198284.

ClinVar aggregate classification (germline): Uncertain significance. Review status: criteria provided, multiple submitters, no conflicts (2 of 4 stars). 2 submissions from 2 submitters: Uncertain significance (2). Last evaluated 2024-08-15.

Allele frequency attached by ClinVar (database versions not stated): gnomAD exomes 0.00003; ExAC 0.00005; gnomAD 0.00005 and 0.00007; TOPMed 0.00005; ESP Exome Variant Server 0.00015; 1000 Genomes Project 30x 0.00062; 1000 Genomes Project 0.00080.
gnomAD v4.1: 34 of 1,600,738 alleles (0.0021%); highest among the groups gnomAD compares: African/African-American, 0.034%; no homozygotes.

Submissions (2):

Blueprint Genetics
Classification: Uncertain significance. Last evaluated: 2024-08-15. Review status: criteria provided, single submitter. Criteria: ACMG Guidelines, 2015. Collection method: clinical testing. Allele origin: germline.

Labcorp Genetics (formerly Invitae), Labcorp
Classification: Uncertain significance. Last evaluated: 2022-11-22. Review status: criteria provided, single submitter. Criteria: Invitae Variant Classification Sherloc (09022015). Collection method: clinical testing. Allele origin: germline.
Comment: In summary, the available evidence is currently insufficient to determine the role of this variant in disease. Therefore, it has been classified as a Variant of Uncertain Significance. Algorithms developed to predict the effect of sequence changes on RNA splicing suggest that this variant may disrupt the consensus splice site. Algorithms developed to predict the effect of missense changes on protein structure and function are either unavailable or do not agree on the potential impact of this missense change (SIFT: "Deleterious"; PolyPhen-2: "Benign"; Align-GVGD: "Class C0"). ClinVar contains an entry for this variant (Variation ID: 1414679). This variant has not been reported in the literature in individuals affected with TRAF3IP1-related conditions. This variant is present in population databases (rs145950318, gnomAD 0.03%). This sequence change replaces glycine, which is neutral and non-polar, with arginine, which is basic and polar, at codon 372 of the TRAF3IP1 protein (p.Gly372Arg).